The following is an entry in ClinVar:

NM_015192.4(PLCB1):c.3015A>C (p.Leu1005Phe)

Gene: PLCB1 (phospholipase C beta 1; plus strand). Cytogenetic location: 20p12.3.
Variant type: single nucleotide variant.
Coding change: c.3015A>C on transcript NM_015192.4 (MANE Select); coding-DNA position 3015, A replaced by C.
Protein change: p.Leu1005Phe; replaces leucine 1005 with phenylalanine.
Molecular consequence: missense variant.
Genome position (GRCh38, 1-based): chr20:8,774,623, A>C. VCF-style: chr20-8774623-A-C. GRCh37 (hg19) VCF-style: chr20-8755270-A-C.
Other names: c.3015A>C, p.Leu1005Phe (NM_182734.3); short protein forms L1005F.
Identifiers: ClinVar variation 1356046 (VCV001356046.8), dbSNP rs765989029, ClinGen allele CA9760441.

ClinVar aggregate classification (germline): Uncertain significance (1 of 4 stars; one submission).

Conditions:
Developmental and epileptic encephalopathy, 12 (DEE12). Identifiers: MedGen C3150988, MONDO:0013389, OMIM 613722.

Allele frequency attached by ClinVar (database versions not stated): gnomAD exomes below 0.00001; ExAC 0.00001.

Submission:

Labcorp Genetics (formerly Invitae), Labcorp
Classification: Uncertain significance for Developmental and epileptic encephalopathy, 12. Last evaluated: 2022-06-27. Review status: criteria provided, single submitter. Criteria: Invitae Variant Classification Sherloc (09022015). Collection method: clinical testing. Allele origin: germline.
Comment: In summary, the available evidence is currently insufficient to determine the role of this variant in disease. Therefore, it has been classified as a Variant of Uncertain Significance. Algorithms developed to predict the effect of missense changes on protein structure and function (SIFT, PolyPhen-2, Align-GVGD) all suggest that this variant is likely to be tolerated. This variant has not been reported in the literature in individuals affected with PLCB1-related conditions. This variant is present in population databases (rs765989029, gnomAD 0.0009%). This sequence change replaces leucine, which is neutral and non-polar, with phenylalanine, which is neutral and non-polar, at codon 1005 of the PLCB1 protein (p.Leu1005Phe).